The following is an entry in ClinVar:

NM_032043.3(BRIP1):c.2776G>A (p.Ala926Thr)

Gene: BRIP1 (BRCA1 interacting DNA helicase 1; minus strand). Cytogenetic location: 17q23.2.
Variant type: single nucleotide variant.
Coding change: c.2776G>A on transcript NM_032043.3 (MANE Select); coding-DNA position 2776, G replaced by A.
Protein change: p.Ala926Thr; replaces alanine 926 with threonine.
Molecular consequence: missense variant.
Genome position (GRCh38, 1-based): chr17:61,685,965, C>T on the plus strand (G>A on the coding strand, the complement: BRIP1 is on the minus strand). VCF-style: chr17-61685965-C-T. GRCh37 (hg19) VCF-style: chr17-59763326-C-T.
Other names: short protein forms A926T.
Identifiers: ClinVar variation 659517 (VCV000659517.24), dbSNP rs1003917080, ClinGen allele CA292268093.

ClinVar aggregate classification (germline): Conflicting classifications of pathogenicity. Review status: criteria provided, conflicting classifications (1 of 4 stars). 5 submissions from 5 submitters: Uncertain significance (4); Likely benign (1). Last evaluated 2026-05-15.

Conditions:
Fanconi anemia complementation group J. Also called: BRIP1-Related Fanconi Anemia. Identifiers: Orphanet 84, MedGen C1836860, MONDO:0012187, OMIM 609054.
Hereditary cancer-predisposing syndrome. Also called: Neoplastic Syndromes, Hereditary; Tumor predisposition; Hereditary Cancer Syndrome; Hereditary neoplastic syndrome. Identifiers: Orphanet 140162, MedGen C0027672, MeSH D009386, MONDO:0015356.
Familial cancer of breast. Also called: hereditary breast carcinoma; BREAST CANCER, FAMILIAL; Hereditary breast cancer. Identifiers: Orphanet 227535, MedGen C0346153, MONDO:0016419, OMIM 114480. Disease mechanism: loss of function.

Allele frequency attached by ClinVar (database versions not stated): gnomAD exomes below 0.00001; gnomAD 0.00001; TOPMed 0.00003.
gnomAD v4.1: 4 of 1,613,888 alleles (0.00025%); highest among the groups gnomAD compares: African/African-American, 0.0053%; no homozygotes.

Submissions (5):

Women's Health and Genetics/Laboratory Corporation of America, LabCorp
Classification: Uncertain significance. Last evaluated: 2026-05-15. Review status: criteria provided, single submitter. Criteria: LabCorp Variant Classification Summary - May 2015. Collection method: clinical testing. Allele origin: germline.
Comment: Variant summary: BRIP1 c.2776G>A (p.Ala926Thr) results in a non-conservative amino acid change in the encoded protein sequence. Algorithms developed to predict the effect of missense changes on protein structure and function are either unavailable or do not agree on the potential impact of this missense change. The variant was absent in 251384 control chromosomes. The available data on variant occurrences in the general population are insufficient to allow any conclusion about variant significance. To our knowledge, no occurrence of c.2776G>A in individuals affected with BRIP1-related conditions and no experimental evidence demonstrating its impact on protein function have been reported. ClinVar contains an entry for this variant (Variation ID: 659517). Based on the evidence outlined above, the variant was classified as uncertain significance.

Labcorp Genetics (formerly Invitae), Labcorp
Classification: Uncertain significance for Familial cancer of breast; Fanconi anemia complementation group J. Last evaluated: 2025-11-23. Review status: criteria provided, single submitter. Criteria: Invitae Variant Classification Sherloc (09022015). Collection method: clinical testing. Allele origin: germline.
Comment: This sequence change replaces alanine, which is neutral and non-polar, with threonine, which is neutral and polar, at codon 926 of the BRIP1 protein (p.Ala926Thr). This variant is not present in population databases (gnomAD no frequency). This variant has not been reported in the literature in individuals affected with BRIP1-related conditions. ClinVar contains an entry for this variant (Variation ID: 659517). Invitae Evidence Modeling of protein sequence and biophysical properties (such as structural, functional, and spatial information, amino acid conservation, physicochemical variation, residue mobility, and thermodynamic stability) indicates that this missense variant is not expected to disrupt BRIP1 protein function with a negative predictive value of 95%. In summary, the available evidence is currently insufficient to determine the role of this variant in disease. Therefore, it has been classified as a Variant of Uncertain Significance.

Ambry Genetics
Classification: Likely benign for Hereditary cancer-predisposing syndrome. Last evaluated: 2025-04-07. Review status: criteria provided, single submitter. Criteria: Ambry Variant Classification Scheme 2023. Collection method: clinical testing. Allele origin: germline.

GeneDx
Classification: Uncertain significance. Last evaluated: 2020-07-30. Review status: criteria provided, single submitter. Criteria: GeneDx Variant Classification Process June 2021. Collection method: clinical testing. Allele origin: germline. Affected: yes.
Comment: Not observed in large population cohorts (Lek 2016); In silico analysis supports that this missense variant does not alter protein structure/function; Has not been previously published as pathogenic or benign to our knowledge

Illumina Laboratory Services, Illumina
Classification: Uncertain significance for Fanconi anemia complementation group J. Last evaluated: 2018-01-13. Review status: criteria provided, single submitter. Criteria: ICSL Variant Classification Criteria 13 December 2019. Collection method: clinical testing. Allele origin: germline.